The following is an entry in ClinVar:

NM_001165963.4(SCN1A):c.5630G>A (p.Gly1877Glu)

Genes: SCN1A (sodium voltage-gated channel alpha subunit 1; minus strand), LOC102724058 (uncharacterized LOC102724058; plus strand). Cytogenetic location: 2q24.3.
Variant type: single nucleotide variant.
Coding change: c.5630G>A on transcript NM_001165963.4 (MANE Select); coding-DNA position 5630, G replaced by A.
Protein change: p.Gly1877Glu; replaces glycine 1877 with glutamic acid.
Molecular consequence: missense variant. On other transcripts: non-coding transcript variant (1).
Genome position (GRCh38, 1-based): chr2:165,991,645, C>T on the plus strand (G>A on the coding strand, the complement: SCN1A is on the minus strand). VCF-style: chr2-165991645-C-T. GRCh37 (hg19) VCF-style: chr2-166848155-C-T.
Other names: c.5546G>A, p.Gly1849Glu (NM_001165964.3, NM_001353957.2, NM_001353958.2); c.5630G>A, p.Gly1877Glu (NM_001202435.3, NM_001353948.2); c.5597G>A, p.Gly1866Glu (NM_001353949.2, NM_001353950.2, NM_001353951.2 and 2 more transcripts); c.5594G>A, p.Gly1865Glu (NM_001353954.2, NM_001353955.2); c.5543G>A, p.Gly1848Glu (NM_001353960.2); c.3188G>A, p.Gly1063Glu (NM_001353961.2); short protein forms G1063E, G1848E, G1849E, G1865E, G1866E, G1877E.
Identifiers: ClinVar variation 2663465 (VCV002663465.2), dbSNP rs2468328879, ClinGen allele CA349065091.

ClinVar aggregate classification (germline): Uncertain significance (1 of 4 stars; one submission).

Submission:

GeneDx
Classification: Uncertain significance. Last evaluated: 2026-09-28. Review status: criteria provided, single submitter. Criteria: GeneDx Variant Classification Process June 2021. Collection method: clinical testing. Allele origin: germline.
Comment: Not observed at significant frequency in large population cohorts (gnomAD); In silico analysis supports that this missense variant has a deleterious effect on protein structure/function; This substitution is predicted to be within the C-terminal cytoplasmic domain; Has not been previously published as pathogenic or benign to our knowledge